The following is an entry in ClinVar:

NM_206933.4(USH2A):c.1228G>T (p.Glu410Ter)

Gene: USH2A (usherin; minus strand). Cytogenetic location: 1q41.
Variant type: single nucleotide variant.
Coding change: c.1228G>T on transcript NM_206933.4 (MANE Select); coding-DNA position 1228, G replaced by T.
Protein change: p.Glu410Ter; replaces glutamic acid 410 with a stop codon.
Molecular consequence: nonsense.
Genome position (GRCh38, 1-based): chr1:216,324,268, C>A on the plus strand (G>T on the coding strand, the complement: USH2A is on the minus strand). VCF-style: chr1-216324268-C-A. GRCh37 (hg19) VCF-style: chr1-216497610-C-A.
Other names: c.1228G>T, p.Glu410Ter (NM_007123.6); short protein forms E410*.
Identifiers: ClinVar variation 643680 (VCV000643680.9), dbSNP rs1571702193, ClinGen allele CA344911754.

ClinVar aggregate classification (germline): Pathogenic/Likely pathogenic. Review status: criteria provided, multiple submitters, no conflicts (2 of 4 stars). 2 submissions from 2 submitters: Pathogenic (1); Likely pathogenic (1). Last evaluated 2024-12-24.

Conditions:
Usher syndrome type 2A. Also called: USHER SYNDROME, TYPE IIA; RETINAL DISEASE IN USHER SYNDROME TYPE IIA, MODIFIER OF. Identifiers: Orphanet 231178, Orphanet 886, MedGen C1848634, MONDO:0010169, OMIM 276901.

Allele frequency attached by ClinVar (database versions not stated): gnomAD exomes below 0.00001.
gnomAD v4.1: 1 of 1,613,302 alleles (0.000062%); highest among the groups gnomAD compares: Non-Finnish European, 0.000085%; no homozygotes.

Submissions (2):

Natera, Inc.
Classification: Likely pathogenic for Usher syndrome type 2A. Last evaluated: 2024-12-24. Review status: criteria provided, single submitter. Criteria: Natera Variant Classification Schema (03/2026). Collection method: clinical testing. Allele origin: germline.
Comment: The c.1228G>T variant in USH2A is a nonsense variant predicted to introduce a stop codon at amino acid 410. This variant is expected to result in nonsense mediated decay, truncation, or a dysfunctional protein product. This variant is rare in the general population with a frequency below the threshold expected for the associated phenotype(s). Given the available evidence, this variant is classified as Likely Pathogenic.

Labcorp Genetics (formerly Invitae), Labcorp
Classification: Pathogenic. Last evaluated: 2021-09-25. Review status: criteria provided, single submitter. Criteria: Invitae Variant Classification Sherloc (09022015). Collection method: clinical testing. Allele origin: germline.
Comment: For these reasons, this variant has been classified as Pathogenic. Loss-of-function variants in USH2A are known to be pathogenic (PMID: 10729113, 10909849, 20507924, 25649381). Algorithms developed to predict the effect of sequence changes on RNA splicing suggest that this variant may create or strengthen a splice site, but this prediction has not been confirmed by published transcriptional studies. This variant has not been reported in the literature in individuals with USH2A-related disease. This variant is not present in population databases (ExAC no frequency). This sequence change creates a premature translational stop signal (p.Glu410*) in the USH2A gene. It is expected to result in an absent or disrupted protein product.

Literature cited by the submitters: PubMed 10729113 (cited by Labcorp Genetics (formerly Invitae), Labcorp); PubMed 10909849 (cited by Labcorp Genetics (formerly Invitae), Labcorp); PubMed 20507924 (cited by Labcorp Genetics (formerly Invitae), Labcorp); PubMed 25649381 (cited by Labcorp Genetics (formerly Invitae), Labcorp).